The following is an entry in ClinVar:

NM_001378454.1(ALMS1):c.5966C>A (p.Ser1989Ter)

Gene: ALMS1 (ALMS1 centrosome and basal body associated protein; plus strand). Cytogenetic location: 2p13.1.
Variant type: single nucleotide variant.
Coding change: c.5966C>A on transcript NM_001378454.1 (MANE Select); coding-DNA position 5966, C replaced by A.
Protein change: p.Ser1989Ter; replaces serine 1989 with a stop codon.
Molecular consequence: nonsense.
Genome position (GRCh38, 1-based): chr2:73,452,493, C>A. VCF-style: chr2-73452493-C-A. GRCh37 (hg19) VCF-style: chr2-73679620-C-A.
Other names: c.5969C>A, p.Ser1990Ter (NM_015120.4); short protein forms S1989*, S1990*.
Identifiers: ClinVar variation 1421573 (VCV001421573.10), dbSNP rs777080769, ClinGen allele CA347284158.

ClinVar aggregate classification (germline): Pathogenic/Likely pathogenic. Review status: criteria provided, multiple submitters, no conflicts (2 of 4 stars). 2 submissions from 2 submitters: Pathogenic (1); Likely pathogenic (1). Last evaluated 2022-02-28.

Conditions:
Alstrom syndrome (ALMS). Identifiers: Orphanet 64, MedGen C0268425, MONDO:0008763, OMIM 203800.

Submissions (2):

Myriad Genetics, Inc.
Classification: Likely pathogenic for Alstrom syndrome. Last evaluated: 2022-02-28. Review status: criteria provided, single submitter. Criteria: Myriad Women's Health Autosomal Recessive and X-Linked Classification Criteria (2021). Collection method: clinical testing. Allele origin: unknown.
Comment: NM_015120.4(ALMS1):c.5969C>A(S1990*) is expected to be pathogenic in the context of Alstrom syndrome. This variant is predicted to lead to an abnormal or absent protein product due to the creation of a premature termination codon in ALMS1, a gene where loss-of-function variants are known to be pathogenic. Please note: this variant was assessed in the context of healthy population screening.

Labcorp Genetics (formerly Invitae), Labcorp
Classification: Pathogenic for Alstrom syndrome. Last evaluated: 2021-06-08. Review status: criteria provided, single submitter. Criteria: Invitae Variant Classification Sherloc (09022015). Collection method: clinical testing. Allele origin: germline.
Comment: For these reasons, this variant has been classified as Pathogenic. This nonsense change has been observed in individual(s) with Alstrom syndrome (PMID: 25296579, 29715191). This variant is not present in population databases (ExAC no frequency). This sequence change creates a premature translational stop signal (p.Ser1990*) in the ALMS1 gene. It is expected to result in an absent or disrupted protein product. Loss-of-function variants in ALMS1 are known to be pathogenic (PMID: 17594715).

Literature cited by the submitters: PubMed 25296579 (cited by Labcorp Genetics (formerly Invitae), Labcorp); PubMed 29715191 (cited by Labcorp Genetics (formerly Invitae), Labcorp); PubMed 17594715 (cited by Labcorp Genetics (formerly Invitae), Labcorp).